The following is an entry in ClinVar:

NM_001364905.1(LRBA):c.5024del (p.Asn1675fs)

Gene: LRBA (LPS responsive beige-like anchor protein; minus strand). Cytogenetic location: 4q31.3.
Variant type: Deletion.
Coding change: c.5024del on transcript NM_001364905.1 (MANE Select); coding-DNA position 5024, one base deleted (A; older notation c.5024delA).
Protein change: p.Asn1675fs; shifts the reading frame from asparagine 1675.
Molecular consequence: frameshift variant.
Genome position (GRCh38, 1-based): chr4:150,828,327, T deleted on the plus strand (A on the coding strand, the reverse complement: LRBA is on the minus strand); the first of 6 consecutive T bases (chr4:150,828,327-150,828,332); deleting any one gives the same sequence. VCF-style (leftmost placement, unchanged base first): chr4-150828326-GT-G. GRCh37 (hg19) VCF-style: chr4-151749478-GT-G.
Other names: c.5019delA, p.Asn1675Thrfs (NM_001199282.3, NM_006726.5); c.5024del, p.Asn1675fs (NM_001367550.1); short protein forms N1675fs.
Identifiers: ClinVar variation 2830219 (VCV002830219.3), dbSNP rs2546421991, ClinGen allele CA2739270311.
Genomic context (GRCh38, chr4:150,828,326, plus strand): 5'-CACTGTGACTCCATCTGCTGGTATGTTAACCAAGCTTCGGAGAATGTCTTTCACATTGAC[GT>G]TTTTTGAAACTGAAACTGACGGTGTAGCCTTAGTGTCCAAGTCATTTCCTCTATCATTTT-3'

ClinVar aggregate classification (germline): Pathogenic (1 of 4 stars; one submission).

Conditions:
Combined immunodeficiency due to LRBA deficiency. Also called: Common variable immunodeficiency 8, with autoimmunity. Identifiers: Orphanet 445018, MedGen C3553512, MONDO:0013863, OMIM 614700.

Submission:

Labcorp Genetics (formerly Invitae), Labcorp
Classification: Pathogenic for Combined immunodeficiency due to LRBA deficiency. Last evaluated: 2023-01-19. Review status: criteria provided, single submitter. Criteria: Invitae Variant Classification Sherloc (09022015). Collection method: clinical testing. Allele origin: germline.
Comment: This variant has not been reported in the literature in individuals affected with LRBA-related conditions. For these reasons, this variant has been classified as Pathogenic. This variant is not present in population databases (gnomAD no frequency). This sequence change creates a premature translational stop signal (p.Asn1675Thrfs*4) in the LRBA gene. It is expected to result in an absent or disrupted protein product. Loss-of-function variants in LRBA are known to be pathogenic (PMID: 26206937, 26768763).

Literature cited by the submitters: PubMed 26206937; PubMed 26768763.